The following is an entry in ClinVar:

NM_206933.4(USH2A):c.13838C>T (p.Thr4613Ile)

Gene: USH2A (usherin; minus strand). Cytogenetic location: 1q41.
Variant type: single nucleotide variant.
Coding change: c.13838C>T on transcript NM_206933.4 (MANE Select); coding-DNA position 13838, C replaced by T.
Protein change: p.Thr4613Ile; replaces threonine 4613 with isoleucine.
Molecular consequence: missense variant.
Genome position (GRCh38, 1-based): chr1:215,671,267, G>A on the plus strand (C>T on the coding strand, the complement: USH2A is on the minus strand). VCF-style: chr1-215671267-G-A. GRCh37 (hg19) VCF-style: chr1-215844609-G-A.
Other names: short protein forms T4613I.
Identifiers: ClinVar variation 2428373 (VCV002428373.3), dbSNP rs1657807122, ClinGen allele CA344841913.

ClinVar aggregate classification (germline): Uncertain significance (1 of 4 stars; one submission).

Allele frequency attached by ClinVar (database versions not stated): TOPMed below 0.00001; gnomAD exomes 0.00001.
gnomAD v4.1: 10 of 1,613,990 alleles (0.00062%); highest among the groups gnomAD compares: Non-Finnish European, 0.00076%; no homozygotes.

Submission:

Labcorp Genetics (formerly Invitae), Labcorp
Classification: Uncertain significance. Last evaluated: 2021-08-31. Review status: criteria provided, single submitter. Criteria: Invitae Variant Classification Sherloc (09022015). Collection method: clinical testing. Allele origin: germline.
Comment: This sequence change replaces threonine with isoleucine at codon 4613 of the USH2A protein (p.Thr4613Ile). The threonine residue is highly conserved and there is a moderate physicochemical difference between threonine and isoleucine. This variant is not present in population databases (ExAC no frequency). This variant has not been reported in the literature in individuals affected with USH2A-related conditions. Algorithms developed to predict the effect of missense changes on protein structure and function (SIFT, PolyPhen-2, Align-GVGD) all suggest that this variant is likely to be disruptive. In summary, the available evidence is currently insufficient to determine the role of this variant in disease. Therefore, it has been classified as a Variant of Uncertain Significance.